The following is an entry in ClinVar:

NM_032861.4(SERAC1):c.-14C>T

Gene: SERAC1 (serine active site containing 1; minus strand). Cytogenetic location: 6q25.3.
Variant type: single nucleotide variant.
Coding change: c.-14C>T on transcript NM_032861.4 (MANE Select); 14 bases upstream of the start codon, C replaced by T.
Molecular consequence: 5 prime UTR variant. On other transcripts: non-coding transcript variant (1).
Genome position (GRCh38, 1-based): chr6:158,168,152, G>A on the plus strand (C>T on the coding strand, the complement: SERAC1 is on the minus strand). VCF-style: chr6-158168152-G-A. GRCh37 (hg19) VCF-style: chr6-158589184-G-A.
Identifiers: ClinVar variation 383029 (VCV000383029.1), dbSNP rs552925418, ClinGen allele CA16605007.

ClinVar aggregate classification (germline): Likely benign (1 of 4 stars; one submission).

Allele frequency attached by ClinVar (database versions not stated): TOPMed 0.00003; gnomAD 0.00003; 1000 Genomes Project 30x 0.00031; 1000 Genomes Project 0.00020.

Submission:

GeneDx
Classification: Likely benign. Last evaluated: 2016-02-23. Review status: criteria provided, single submitter. Criteria: GeneDx Variant Classification (06012015). Collection method: clinical testing. Allele origin: germline. Affected: yes.
Comment: This variant is considered likely benign or benign based on one or more of the following criteria: it is a conservative change, it occurs at a poorly conserved position in the protein, it is predicted to be benign by multiple in silico algorithms, and/or has population frequency not consistent with disease.